The following is an entry in ClinVar:

NM_007192.4(SUPT16H):c.1430A>G (p.His477Arg)

Gene: SUPT16H (SPT16 homolog, facilitates chromatin remodeling subunit; minus strand). Cytogenetic location: 14q11.2.
Variant type: single nucleotide variant.
Coding change: c.1430A>G on transcript NM_007192.4 (MANE Select); coding-DNA position 1430, A replaced by G.
Protein change: p.His477Arg; replaces histidine 477 with arginine.
Molecular consequence: missense variant.
Genome position (GRCh38, 1-based): chr14:21,363,115, T>C on the plus strand (A>G on the coding strand, the complement: SUPT16H is on the minus strand). VCF-style: chr14-21363115-T-C. GRCh37 (hg19) VCF-style: chr14-21831274-T-C.
Other names: short protein forms H477R.
Identifiers: ClinVar variation 3365142 (VCV003365142.1).

ClinVar aggregate classification (germline): Uncertain significance (1 of 4 stars; one submission).

gnomAD v4.1: 1 of 1,613,946 alleles (0.000062%); highest among the groups gnomAD compares: Non-Finnish European, 0.000085%; no homozygotes.

Submission:

GeneDx
Classification: Uncertain significance. Last evaluated: 2023-12-07. Review status: criteria provided, single submitter. Criteria: GeneDx Variant Classification Process June 2021. Collection method: clinical testing. Allele origin: germline. Affected: yes.
Comment: Not observed at significant frequency in large population cohorts (gnomAD); In silico analysis supports that this missense variant has a deleterious effect on protein structure/function; Has not been previously published as pathogenic or benign to our knowledge